The following is an entry in ClinVar:

ClinVar aggregate classification (germline): Pathogenic (1 of 4 stars; one submission).

Submission:

Labcorp Genetics (formerly Invitae), Labcorp
Classification: Pathogenic. Last evaluated: 2020-07-13. Review status: criteria provided, single submitter. Criteria: Invitae Variant Classification Sherloc (09022015). Collection method: clinical testing. Allele origin: germline.
Comment: Loss-of-function variants in FAM161A are known to be pathogenic (PMID: 20705278, 20705279, 24651477). This variant has not been reported in the literature in individuals with FAM161A-related conditions. This variant is not present in population databases (ExAC no frequency). This sequence change creates a premature translational stop signal (p.Arg387Glufs*15) in the FAM161A gene. It is expected to result in an absent or disrupted protein product. For these reasons, this variant has been classified as Pathogenic.

Literature cited by the submitters: PubMed 20705278; PubMed 20705279; PubMed 24651477.

NM_001201543.2(FAM161A):c.1157dup (p.Arg387fs)

Gene: FAM161A (FAM161 centrosomal protein A; minus strand). Cytogenetic location: 2p15.
Variant type: Duplication.
Coding change: c.1157dup on transcript NM_001201543.2 (MANE Select); coding-DNA position 1157, one base duplicated (T; older notation c.1157dupT).
Protein change: p.Arg387fs; shifts the reading frame from arginine 387.
Molecular consequence: frameshift variant. On other transcripts: non-coding transcript variant (1).
Genome position (GRCh38, 1-based): chr2:61,839,847, A duplicated on the plus strand (T on the coding strand, the reverse complement: FAM161A is on the minus strand). VCF-style (leftmost placement, unchanged base first): chr2-61839846-C-CA. GRCh37 (hg19) VCF-style: chr2-62066981-C-CA.
Other names: c.1157dup, p.Arg387fs (NM_032180.3); short protein forms R387fs.
Identifiers: ClinVar variation 1071825 (VCV001071825.7), dbSNP rs1672938022, ClinGen allele CA1255593792.